The following is an entry in ClinVar:

ClinVar aggregate classification (germline): Uncertain significance (1 of 4 stars; one submission).

Submission:

Ambry Genetics
Classification: Uncertain significance. Last evaluated: 2022-02-03. Review status: criteria provided, single submitter. Criteria: Ambry Variant Classification Scheme 2023. Collection method: clinical testing. Allele origin: germline.
Comment: The p.T232I variant (also known as c.695C>T), located in coding exon 1 of the EGLN1 gene, results from a C to T substitution at nucleotide position 695. The threonine at codon 232 is replaced by isoleucine, an amino acid with similar properties. This amino acid position is conserved. In addition, this alteration is predicted to be tolerated by in silico analysis. Since supporting evidence is limited at this time, the clinical significance of this alteration remains unclear.

NM_022051.3(EGLN1):c.695C>T (p.Thr232Ile)

Gene: EGLN1 (egl-9 family hypoxia inducible factor 1; minus strand). Cytogenetic location: 1q42.2.
Variant type: single nucleotide variant.
Coding change: c.695C>T on transcript NM_022051.3 (MANE Select); coding-DNA position 695, C replaced by T.
Protein change: p.Thr232Ile; replaces threonine 232 with isoleucine.
Molecular consequence: missense variant.
Genome position (GRCh38, 1-based): chr1:231,421,194, G>A on the plus strand (C>T on the coding strand, the complement: EGLN1 is on the minus strand). VCF-style: chr1-231421194-G-A. GRCh37 (hg19) VCF-style: chr1-231556940-G-A.
Other names: c.695C>T, p.Thr232Ile (NM_001377260.1, NM_001377261.1); short protein forms T232I.
Identifiers: ClinVar variation 1756318 (VCV001756318.2), dbSNP rs2527358906, ClinGen allele CA345235821.